The following is an entry in ClinVar:

NM_017654.4(SAMD9):c.430G>C (p.Glu144Gln)

Gene: SAMD9 (sterile alpha motif domain containing 9; minus strand). Cytogenetic location: 7q21.2.
Variant type: single nucleotide variant.
Coding change: c.430G>C on transcript NM_017654.4 (MANE Select); coding-DNA position 430, G replaced by C.
Protein change: p.Glu144Gln; replaces glutamic acid 144 with glutamine.
Molecular consequence: missense variant.
Genome position (GRCh38, 1-based): chr7:93,105,668, C>G on the plus strand (G>C on the coding strand, the complement: SAMD9 is on the minus strand). VCF-style: chr7-93105668-C-G. GRCh37 (hg19) VCF-style: chr7-92734981-C-G.
Other names: c.430G>C, p.Glu144Gln (NM_001193307.2); short protein forms E144Q.
Identifiers: ClinVar variation 3363212 (VCV003363212.2).

ClinVar aggregate classification (germline): Uncertain significance. Review status: criteria provided, multiple submitters, no conflicts (2 of 4 stars). 2 submissions from 2 submitters: Uncertain significance (2). Last evaluated 2026-05-27.

Conditions:
Inborn genetic diseases. Identifiers: MedGen C0950123, MeSH D030342.

Submissions (2):

Ambry Genetics
Classification: Uncertain significance for Inborn genetic diseases. Last evaluated: 2026-05-27. Review status: criteria provided, single submitter. Criteria: Ambry Variant Classification Scheme 2023. Collection method: clinical testing. Allele origin: germline.
Comment: The p.E144Q variant (also known as c.430G>C), located in coding exon 1 of the SAMD9 gene, results from a G to C substitution at nucleotide position 430. The glutamic acid at codon 144 is replaced by glutamine, an amino acid with highly similar properties. This amino acid position is conserved. In addition, this alteration is predicted to be tolerated by in silico analysis. Based on the available evidence, the clinical significance of this variant remains unclear.

GeneDx
Classification: Uncertain significance. Last evaluated: 2023-11-01. Review status: criteria provided, single submitter. Criteria: GeneDx Variant Classification Process June 2021. Collection method: clinical testing. Allele origin: germline. Affected: yes.
Comment: Not observed at significant frequency in large population cohorts (gnomAD); In silico analysis supports that this missense variant does not alter protein structure/function; Has not been previously published as pathogenic or benign to our knowledge